The following is an entry in ClinVar:

NM_177438.3(DICER1):c.2426C>T (p.Pro809Leu)

Gene: DICER1 (dicer 1, ribonuclease III; minus strand). Cytogenetic location: 14q32.13.
Variant type: single nucleotide variant.
Coding change: c.2426C>T on transcript NM_177438.3 (MANE Select); coding-DNA position 2426, C replaced by T.
Protein change: p.Pro809Leu; replaces proline 809 with leucine.
Molecular consequence: missense variant.
Genome position (GRCh38, 1-based): chr14:95,108,334, G>A on the plus strand (C>T on the coding strand, the complement: DICER1 is on the minus strand). VCF-style: chr14-95108334-G-A. GRCh37 (hg19) VCF-style: chr14-95574671-G-A.
Other names: c.2426C>T, p.Pro809Leu (NM_001195573.1, NM_001271282.3, NM_001291628.2 and 1 more transcripts); short protein forms P809L.
Identifiers: ClinVar variation 851925 (VCV000851925.12), dbSNP rs1891643374, ClinGen allele CA390882066.

ClinVar aggregate classification (germline): Uncertain significance. Review status: criteria provided, multiple submitters, no conflicts (2 of 4 stars). 2 submissions from 2 submitters: Uncertain significance (2). Last evaluated 2026-07-07.

Conditions:
DICER1-related tumor predisposition. Also called: DICER1-related pleuropulmonary blastoma cancer predisposition syndrome; DICER1 syndrome. Identifiers: Orphanet 284343, MedGen C3839822, MONDO:0100216.
Hereditary cancer-predisposing syndrome. Also called: Tumor predisposition; Hereditary neoplastic syndrome; Neoplastic Syndromes, Hereditary; Hereditary Cancer Syndrome. Identifiers: Orphanet 140162, MedGen C0027672, MeSH D009386, MONDO:0015356.

Submissions (2):

Ambry Genetics
Classification: Uncertain significance for Hereditary cancer-predisposing syndrome. Last evaluated: 2026-07-07. Review status: criteria provided, single submitter. Criteria: Ambry Variant Classification Scheme 2023. Collection method: clinical testing. Allele origin: germline.
Comment: The p.P809L variant (also known as c.2426C>T), located in coding exon 14 of the DICER1 gene, results from a C to T substitution at nucleotide position 2426. The proline at codon 809 is replaced by leucine, an amino acid with similar properties. This amino acid position is conserved. In addition, this alteration is predicted to be deleterious by in silico analysis. Based on the available evidence, the clinical significance of this variant remains unclear.

Labcorp Genetics (formerly Invitae), Labcorp
Classification: Uncertain significance for DICER1-related tumor predisposition. Last evaluated: 2024-07-08. Review status: criteria provided, single submitter. Criteria: Invitae Variant Classification Sherloc (09022015). Collection method: clinical testing. Allele origin: germline.
Comment: This sequence change replaces proline, which is neutral and non-polar, with leucine, which is neutral and non-polar, at codon 809 of the DICER1 protein (p.Pro809Leu). This variant is not present in population databases (gnomAD no frequency). This variant has not been reported in the literature in individuals affected with DICER1-related conditions. ClinVar contains an entry for this variant (Variation ID: 851925). Advanced modeling of protein sequence and biophysical properties (such as structural, functional, and spatial information, amino acid conservation, physicochemical variation, residue mobility, and thermodynamic stability) performed at Invitae indicates that this missense variant is not expected to disrupt DICER1 protein function with a negative predictive value of 80%. In summary, the available evidence is currently insufficient to determine the role of this variant in disease. Therefore, it has been classified as a Variant of Uncertain Significance.